The following is an entry in ClinVar:

NM_000057.4(BLM):c.2857A>G (p.Ile953Val)

Gene: BLM (BLM RecQ like helicase; plus strand). Cytogenetic location: 15q26.1.
Variant type: single nucleotide variant.
Coding change: c.2857A>G on transcript NM_000057.4 (MANE Select); coding-DNA position 2857, A replaced by G.
Protein change: p.Ile953Val; replaces isoleucine 953 with valine.
Molecular consequence: missense variant.
Genome position (GRCh38, 1-based): chr15:90,790,682, A>G. VCF-style: chr15-90790682-A-G. GRCh37 (hg19) VCF-style: chr15-91333912-A-G.
Other names: c.2857A>G, p.Ile953Val (NM_001287246.2, NM_001287247.2); c.1732A>G, p.Ile578Val (NM_001287248.2); short protein forms I953V, I578V.
Identifiers: ClinVar variation 3991679 (VCV003991679.1).

ClinVar aggregate classification (germline): Uncertain significance (1 of 4 stars; one submission).

Conditions:
Hereditary cancer-predisposing syndrome. Also called: Tumor predisposition; Hereditary neoplastic syndrome; Neoplastic Syndromes, Hereditary; Hereditary Cancer Syndrome. Identifiers: Orphanet 140162, MedGen C0027672, MeSH D009386, MONDO:0015356.

Submission:

Ambry Genetics
Classification: Uncertain significance for Hereditary cancer-predisposing syndrome. Last evaluated: 2025-05-27. Review status: criteria provided, single submitter. Criteria: Ambry Variant Classification Scheme 2023. Collection method: clinical testing. Allele origin: germline.
Comment: The p.I953V variant (also known as c.2857A>G), located in coding exon 14 of the BLM gene, results from an A to G substitution at nucleotide position 2857. The isoleucine at codon 953 is replaced by valine, an amino acid with highly similar properties. This amino acid position is conserved. In addition, the in silico prediction for this alteration is inconclusive. Based on the available evidence, the clinical significance of this variant remains unclear.